The following is an entry in ClinVar:

ClinVar aggregate classification (germline): Uncertain significance (1 of 4 stars; one submission).

Conditions:
Hereditary cancer-predisposing syndrome. Also called: Neoplastic Syndromes, Hereditary; Tumor predisposition; Hereditary Cancer Syndrome; Hereditary neoplastic syndrome. Identifiers: Orphanet 140162, MedGen C0027672, MeSH D009386, MONDO:0015356.
Cardiovascular phenotype. Identifiers: MedGen CN230736.

Submission:

Ambry Genetics
Classification: Uncertain significance for Cardiovascular phenotype; Hereditary cancer-predisposing syndrome. Last evaluated: 2021-09-14. Review status: criteria provided, single submitter. Criteria: Ambry Variant Classification Scheme 2023. Collection method: clinical testing. Allele origin: germline.
Comment: The p.L983P variant (also known as c.2948T>C), located in coding exon 22 of the NF1 gene, results from a T to C substitution at nucleotide position 2948. The leucine at codon 983 is replaced by proline, an amino acid with similar properties. This amino acid position is well conserved in available vertebrate species. In addition, this alteration is predicted to be deleterious by in silico analysis. Since supporting evidence is limited at this time, the clinical significance of this alteration remains unclear.

NM_001042492.3(NF1):c.2948T>C (p.Leu983Pro)

Gene: NF1 (neurofibromin 1; plus strand). Cytogenetic location: 17q11.2.
Variant type: single nucleotide variant.
Coding change: c.2948T>C on transcript NM_001042492.3 (MANE Select); coding-DNA position 2948, T replaced by C.
Protein change: p.Leu983Pro; replaces leucine 983 with proline.
Molecular consequence: missense variant.
Genome position (GRCh38, 1-based): chr17:31,229,932, T>C. VCF-style: chr17-31229932-T-C. GRCh37 (hg19) VCF-style: chr17-29556950-T-C.
Other names: c.2948T>C, p.Leu983Pro (NM_000267.4); short protein forms L983P.
Identifiers: ClinVar variation 1797994 (VCV001797994.2), dbSNP rs2151430738, ClinGen allele CA398986304.